The following is an entry in ClinVar:

NM_002474.3(MYH11):c.4021C>A (p.Leu1341Met)

Genes: MYH11 (myosin heavy chain 11; minus strand), NDE1 (nudE neurodevelopment protein 1; plus strand). Cytogenetic location: 16p13.11.
Variant type: single nucleotide variant.
Coding change: c.4021C>A on transcript NM_002474.3 (MANE Select); coding-DNA position 4021, C replaced by A.
Protein change: p.Leu1341Met; replaces leucine 1341 with methionine.
Molecular consequence: missense variant. On other transcripts: 3 prime UTR variant (2).
Genome position (GRCh38, 1-based): chr16:15,724,742, G>T on the plus strand (C>A on the coding strand, the complement: MYH11 is on the minus strand). VCF-style: chr16-15724742-G-T. GRCh37 (hg19) VCF-style: chr16-15818599-G-T.
Other names: c.4042C>A, p.Leu1348Met (NM_001040113.2, NM_001040114.2); c.4021C>A, p.Leu1341Met (NM_022844.3); c.*491G>T (NM_001143979.2, NM_017668.3); short protein forms L1348M, L1341M.
Identifiers: ClinVar variation 2625324 (VCV002625324.2), dbSNP rs1369457903, ClinGen allele CA394858529.

ClinVar aggregate classification (germline): Uncertain significance (1 of 4 stars; one submission).

Conditions:
Familial thoracic aortic aneurysm and aortic dissection (TAAD). Also called: Thoracic aortic aneurysms and dissections. Identifiers: Orphanet 91387, MedGen C4707243, MONDO:0019625.

Allele frequency attached by ClinVar (database versions not stated): TOPMed 0.00002.

Submission:

Ambry Genetics
Classification: Uncertain significance for Familial thoracic aortic aneurysm and aortic dissection. Last evaluated: 2023-07-15. Review status: criteria provided, single submitter. Criteria: Ambry Variant Classification Scheme 2023. Collection method: clinical testing. Allele origin: germline.
Comment: The p.L1341M variant (also known as c.4021C>A), located in coding exon 29 of the MYH11 gene, results from a C to A substitution at nucleotide position 4021. The leucine at codon 1341 is replaced by methionine, an amino acid with highly similar properties. This amino acid position is conserved. In addition, this alteration is predicted to be tolerated by in silico analysis. Since supporting evidence is limited at this time, the clinical significance of this alteration remains unclear.